The following is an entry in ClinVar:

ClinVar aggregate classification (germline): Likely pathogenic (1 of 4 stars; one submission).

Conditions:
Muscular dystrophy-dystroglycanopathy type B5 (MDDGB5). Also called: MUSCULAR DYSTROPHY-DYSTROGLYCANOPATHY (CONGENITAL WITH OR WITHOUT IMPAIRED INTELLECTUAL DEVELOPMENT), TYPE B, 5; MUSCULAR DYSTROPHY, CONGENITAL, 1C; MUSCULAR DYSTROPHY, CONGENITAL, FKRP-RELATED. Identifiers: MedGen C1847759, MONDO:0011688, OMIM 606612.

Submission:

3billion
Classification: Likely pathogenic for Muscular dystrophy-dystroglycanopathy type B5. Last evaluated: 2025-01-10. Review status: criteria provided, single submitter. Criteria: ACMG Guidelines, 2015. Collection method: clinical testing. Allele origin: germline. Affected: yes.
Comment: The variant is not observed in the gnomAD v4.1.0 dataset. Predicted Consequence/Location: Frameshift: predicted to result in a loss or disruption of normal protein function through protein truncation. The predicted truncated protein may be shortened by more than 10%. Therefore, this variant is classified as Likely pathogenic according to the recommendation of ACMG/AMP guideline.

NM_024301.5(FKRP):c.1267dup (p.Arg423fs)

Gene: FKRP (fukutin related protein; plus strand). Cytogenetic location: 19q13.32.
Variant type: Duplication.
Coding change: c.1267dup on transcript NM_024301.5 (MANE Select); coding-DNA position 1267, one base duplicated (C; older notation c.1267dupC).
Protein change: p.Arg423fs; shifts the reading frame from arginine 423.
Molecular consequence: frameshift variant.
Genome position (GRCh38, 1-based): chr19:46,756,717, C duplicated; the last of 5 consecutive C bases (chr19:46,756,713-46,756,717); duplicating any one gives the same sequence. VCF-style (leftmost placement, unchanged base first): chr19-46756712-A-AC. GRCh37 (hg19) VCF-style: chr19-47259969-A-AC.
Other names: c.1267dup, p.Arg423fs (NM_001039885.3); short protein forms R423fs.
Identifiers: ClinVar variation 4294043 (VCV004294043.1).